The following is an entry in ClinVar:

NM_000465.4(BARD1):c.1412A>C (p.His471Pro)

Gene: BARD1 (BRCA1 associated RING domain 1; minus strand). Cytogenetic location: 2q35.
Variant type: single nucleotide variant.
Coding change: c.1412A>C on transcript NM_000465.4 (MANE Select); coding-DNA position 1412, A replaced by C.
Protein change: p.His471Pro; replaces histidine 471 with proline.
Molecular consequence: missense variant. On other transcripts: non-coding transcript variant (3), intron variant (3).
Genome position (GRCh38, 1-based): chr2:214,767,638, T>G on the plus strand (A>C on the coding strand, the complement: BARD1 is on the minus strand). VCF-style: chr2-214767638-T-G. GRCh37 (hg19) VCF-style: chr2-215632362-T-G.
Other names: c.1412A>C (NM_000465.3); c.1355A>C, p.His452Pro (NM_001282543.2); c.159-15083A>C (NM_001282548.2); c.216-15083A>C (NM_001282545.2); c.364+24659A>C (NM_001282549.2); short protein forms H471P, H452P.
Identifiers: ClinVar variation 1489958 (VCV001489958.13), dbSNP rs1694277099, ClinGen allele CA350448760.

ClinVar aggregate classification (germline): Uncertain significance. Review status: criteria provided, multiple submitters, no conflicts (2 of 4 stars). 5 submissions from 5 submitters: Uncertain significance (5). Last evaluated 2025-03-31.

Conditions:
BARD1-related disorder. Also called: BARD1-related condition.
Hereditary cancer-predisposing syndrome. Also called: Tumor predisposition; Hereditary neoplastic syndrome; Neoplastic Syndromes, Hereditary; Hereditary Cancer Syndrome. Identifiers: Orphanet 140162, MedGen C0027672, MeSH D009386, MONDO:0015356.
Familial cancer of breast. Also called: BREAST CANCER, FAMILIAL; Hereditary breast cancer; hereditary breast carcinoma. Identifiers: Orphanet 227535, MedGen C0346153, MONDO:0016419, OMIM 114480. Disease mechanism: loss of function.

Allele frequency attached by ClinVar (database versions not stated): gnomAD exomes below 0.00001.
gnomAD v4.1: 1 of 1,613,980 alleles (0.000062%); highest among the groups gnomAD compares: Non-Finnish European, 0.000085%; no homozygotes.

Submissions (5):

Labcorp Genetics (formerly Invitae), Labcorp
Classification: Uncertain significance for Familial cancer of breast. Last evaluated: 2025-03-31. Review status: criteria provided, single submitter. Criteria: Invitae Variant Classification Sherloc (09022015). Collection method: clinical testing. Allele origin: germline.
Comment: This sequence change replaces histidine, which is basic and polar, with proline, which is neutral and non-polar, at codon 471 of the BARD1 protein (p.His471Pro). This variant is not present in population databases (gnomAD no frequency). This variant has not been reported in the literature in individuals affected with BARD1-related conditions. ClinVar contains an entry for this variant (Variation ID: 1489958). An algorithm developed to predict the effect of missense changes on protein structure and function (PolyPhen-2) suggests that this variant is likely to be disruptive. In summary, the available evidence is currently insufficient to determine the role of this variant in disease. Therefore, it has been classified as a Variant of Uncertain Significance.

Hereditary Cancer Laboratory, Hospital Universitario 12 de Octubre
Classification: Uncertain significance for Hereditary cancer-predisposing syndrome. Last evaluated: 2024-02-15. Review status: criteria provided, single submitter. Criteria: ACMG Guidelines, 2015. Collection method: clinical testing. Allele origin: germline.
Comment: PM2+BP4

PreventionGenetics, part of Exact Sciences
Classification: Uncertain significance for BARD1-related condition. Last evaluated: 2023-05-17. Review status: criteria provided, single submitter. Criteria: ACMG Guidelines, 2015. Collection method: clinical testing. Allele origin: germline.
Comment: The BARD1 c.1412A>C variant is predicted to result in the amino acid substitution p.His471Pro. To our knowledge, this variant has not been reported in the literature or in a large population database, indicating this variant is rare. It is interpreted as uncertain significance in ClinVar. At this time, the clinical significance of this variant is uncertain due to the absence of conclusive functional and genetic evidence.

Color Diagnostics, LLC DBA Color Health
Classification: Uncertain significance for Hereditary cancer-predisposing syndrome. Last evaluated: 2023-05-01. Review status: criteria provided, single submitter. Criteria: ACMG Guidelines, 2015. Collection method: clinical testing. Allele origin: germline.
Comment: This missense variant replaces histidine with proline at codon 471 of the BARD1 protein. Computational prediction suggests that this variant may not impact protein structure and function (internally defined REVEL score threshold <= 0.5, PMID: 27666373). To our knowledge, functional studies have not been reported for this variant. This variant has not been reported in individuals affected with BARD1-related disorders in the literature. This variant has not been identified in the general population by the Genome Aggregation Database (gnomAD). The available evidence is insufficient to determine the role of this variant in disease conclusively. Therefore, this variant is classified as a Variant of Uncertain Significance.

Ambry Genetics
Classification: Uncertain significance for Hereditary cancer-predisposing syndrome. Last evaluated: 2022-10-17. Review status: criteria provided, single submitter. Criteria: Ambry Variant Classification Scheme 2023. Collection method: clinical testing. Allele origin: germline.
Comment: The p.H471P variant (also known as c.1412A>C), located in coding exon 6 of the BARD1 gene, results from an A to C substitution at nucleotide position 1412. The histidine at codon 471 is replaced by proline, an amino acid with similar properties. This amino acid position is conserved. In addition, the in silico prediction for this alteration is inconclusive. Since supporting evidence is limited at this time, the clinical significance of this alteration remains unclear.